The following is an entry in ClinVar:

NM_000135.4(FANCA):c.1900+1del

Gene: FANCA (FA complementation group A; minus strand). Cytogenetic location: 16q24.3.
Variant type: Deletion.
Coding change: c.1900+1del on transcript NM_000135.4 (MANE Select); the canonical splice donor site of the intron after coding-DNA position 1900, one base deleted (G; older notation c.1900+1delG).
Molecular consequence: splice donor variant.
Genome position (GRCh38, 1-based): chr16:89,775,741, C deleted on the plus strand (G on the coding strand, the reverse complement: FANCA is on the minus strand); the first of 2 consecutive C bases (chr16:89,775,741-89,775,742); deleting either gives the same sequence. VCF-style (leftmost placement, unchanged base first): chr16-89775740-AC-A. GRCh37 (hg19) VCF-style: chr16-89842148-AC-A.
Other names: c.1900+1del (NM_001286167.3).
Identifiers: ClinVar variation 2029195 (VCV002029195.5), dbSNP rs2544213697, ClinGen allele CA2580092398.

ClinVar aggregate classification (germline): Pathogenic/Likely pathogenic. Review status: criteria provided, multiple submitters, no conflicts (2 of 4 stars). 2 submissions from 2 submitters: Pathogenic (1); Likely pathogenic (1). Last evaluated 2024-09-17.

Conditions:
FANCA-related disorders.
Fanconi anemia (FA). Also called: Fanconi's anemia. Identifiers: Orphanet 84, MedGen C0015625, MeSH D005199, MONDO:0019391.

Submissions (2):

Blueprint Genetics
Classification: Likely pathogenic for FANCA-related disorders. Last evaluated: 2024-09-17. Review status: criteria provided, single submitter. Criteria: ACMG Guidelines, 2015. Collection method: clinical testing. Allele origin: germline. Affected: yes. Observed: 1 variant allele.

Labcorp Genetics (formerly Invitae), Labcorp
Classification: Pathogenic for Fanconi anemia. Last evaluated: 2023-07-25. Review status: criteria provided, single submitter. Criteria: Invitae Variant Classification Sherloc (09022015). Collection method: clinical testing. Allele origin: germline.
Comment: ClinVar contains an entry for this variant (Variation ID: 2029195). For these reasons, this variant has been classified as Pathogenic. Algorithms developed to predict the effect of sequence changes on RNA splicing suggest that this variant may disrupt the consensus splice site. This variant is also known as c.1900+1del. This variant has not been reported in the literature in individuals affected with FANCA-related conditions. This variant is not present in population databases (gnomAD no frequency). This sequence change creates a premature translational stop signal (p.Asp634Metfs*6) in the FANCA gene. It is expected to result in an absent or disrupted protein product. Loss-of-function variants in FANCA are known to be pathogenic (PMID: 19367192).

Literature cited by the submitters: PubMed 19367192 (cited by Labcorp Genetics (formerly Invitae), Labcorp).